The following is an entry in ClinVar:

NM_000091.5(COL4A3):c.1918G>A (p.Gly640Arg)

Genes: COL4A3 (collagen type IV alpha 3 chain; plus strand), MFF-DT (MFF divergent transcript; minus strand). Cytogenetic location: 2q36.3.
Variant type: single nucleotide variant.
Coding change: c.1918G>A on transcript NM_000091.5 (MANE Select); coding-DNA position 1918, G replaced by A.
Protein change: p.Gly640Arg; replaces glycine 640 with arginine.
Molecular consequence: missense variant.
Genome position (GRCh38, 1-based): chr2:227,273,108, G>A. VCF-style: chr2-227273108-G-A. GRCh37 (hg19) VCF-style: chr2-228137824-G-A.
Other names: p.Gly640Arg; short protein forms G640R.
Identifiers: ClinVar variation 371669 (VCV000371669.28), dbSNP rs200672668, ClinGen allele CA2146786.
Genomic context (GRCh38, chr2:227,273,108, plus strand): 5'-CCCCAAGGAGAACCTGGTCTCCAGGGCACGCAAGGAGTTCCTGGAGCCCCCGGACCACCC[G>A]GAGAAGCCGGTTGGTTAGTTTTCTTTCCAGTCCTGTTTTCCGATGGAGTGGGTTGATGGT-3'
Protein context (NP_000082.2, residues 630-650): QGVPGAPGPP[Gly640Arg]EAGPRGELSV

ClinVar aggregate classification (germline): Pathogenic/Likely pathogenic. Review status: criteria provided, multiple submitters, no conflicts (2 of 4 stars). 14 submissions from 14 submitters: Pathogenic (4); Likely pathogenic (7). 3 of the submissions do not count toward it. Last evaluated 2026-07-24.

Conditions:
Alport syndrome 3b, autosomal recessive. Identifiers: MedGen C5882699, MONDO:0957811, OMIM 620536.
Hematuria, benign familial, 2 (BFH2). Identifiers: MedGen C5830421, MONDO:0958186, OMIM 620320.
Autosomal dominant Alport syndrome (ATS3A). Also called: ALPORT SYNDROME 3A, AUTOSOMAL DOMINANT; Alport syndrome dominant type; Renal failure and sensorineural hearing loss. Identifiers: Orphanet 63, Orphanet 88918, MedGen C5882663, MONDO:0007086, OMIM 104200.
Microscopic hematuria. Also called: Microhematuria. Identifiers: MedGen C0239937, HP:0002907.
COL4A3-related disorder. Also called: COL4A3-related condition; COL4A3-Related Disorders.
Autosomal recessive Alport syndrome (ATS2). Also called: COL4A4 Alport Syndrome and Thin Basement Membrane Nephropathy; ALPORT SYNDROME 2, AUTOSOMAL RECESSIVE; COL4A3-Related Nephropathy; Alport syndrome type 2. Identifiers: Orphanet 63, Orphanet 88919, MedGen C4746745, MONDO:0008762, OMIM 203780.
Alport syndrome. Also called: Hemorrhagic familial nephritis; Hemorrhagic hereditary nephritis; Congenital hereditary hematuria. Identifiers: Orphanet 63, MedGen C1567741, MONDO:0018965.

Allele frequency attached by ClinVar (database versions not stated): gnomAD 0.00001 and 0.00003; gnomAD exomes 0.00001 and 0.00002; TOPMed 0.00001; ExAC 0.00003; ESP Exome Variant Server 0.00009; 1000 Genomes Project 0.00040; 1000 Genomes Project 30x 0.00047.

Submissions (14):

MVZ Medizinische Genetik Mainz
Classification: Pathogenic for Autosomal dominant Alport syndrome. Last evaluated: 2026-07-24. Review status: criteria provided, single submitter. Criteria: UK Practice Guidelines For Variant Classification V4 01 2020. Collection method: clinical testing. Allele origin: germline. Inheritance: Autosomal dominant inheritance. Affected: yes. Observed: 2 variant alleles.
Comment: ACMG Criteria: PS4,PM1_STR,PM2_SUP,PP3,PP4

Labcorp Genetics (formerly Invitae), Labcorp
Classification: Pathogenic. Last evaluated: 2025-09-25. Review status: criteria provided, single submitter. Criteria: Invitae Variant Classification Sherloc (09022015). Collection method: clinical testing. Allele origin: germline.
Comment: This sequence change replaces glycine, which is neutral and non-polar, with arginine, which is basic and polar, at codon 640 of the COL4A3 protein (p.Gly640Arg). This variant is present in population databases (rs200672668, gnomAD 0.004%). This missense change has been observed in individual(s) with autosomal dominant and autosomal recessive Alport syndrome (PMID: 11134255, 24052634, 29854973; internal data). In at least one individual the data is consistent with being in trans (on the opposite chromosome) from a pathogenic variant. ClinVar contains an entry for this variant (Variation ID: 371669). Invitae Evidence Modeling of protein sequence and biophysical properties (such as structural, functional, and spatial information, amino acid conservation, physicochemical variation, residue mobility, and thermodynamic stability) has been performed for this missense variant. However, the output from this modeling did not meet the statistical confidence thresholds required to predict the impact of this variant on COL4A3 protein function. For these reasons, this variant has been classified as Pathogenic.

Natera, Inc.
Classification: Pathogenic for Alport syndrome. Last evaluated: 2025-09-17. Review status: criteria provided, single submitter. Criteria: Natera Variant Classification Schema (03/2026). Collection method: clinical testing. Allele origin: germline.
Comment: The c.1918G>A variant in COL4A3 is a missense variant predicted to cause substitution of glycine to arginine at amino acid 640. This variant is rare in the general population with a frequency below the threshold expected for the associated phenotype(s). This variant has been observed in one or more individuals affected with the associated recessive disease, as either homozygous or compound heterozygous with a second variant (PMID: 24633401, 29854973, 24052634). This variant is located in a functionally critical region of the protein. Computational prediction algorithms indicate this variant is likely to affect gene or protein function. Given the available evidence, this variant is classified as Pathogenic.

Variantyx, Inc.
Classification: Likely pathogenic for Alport syndrome 3b, autosomal recessive. Last evaluated: 2025-07-01. Review status: criteria provided, single submitter. Criteria: Variantyx Assertion Criteria 2022. Collection method: clinical testing. Allele origin: germline. Inheritance: Autosomal recessive inheritance. Affected: no.
Comment: This is a nonsynonymous variant in the COL4A3 gene (OMIM: 120070). Pathogenic variants in this gene have been associated with autosomal recessive Alport syndrome 3B. This variant has been identified in the homozygous or compound heterozygous state at in least two individuals reported in the published literature (PMID: 29854973, 24633401) (PM3). The alteration replaces a glycine residue in the repetitive Gly-X-Y sequence of the triple helical domain (amino acids 43-1438), which disrupts the structure of fibrillar collagen and is a common disease mechanism in collagenopathies (PMID: 30311386, 28098982) (PM1_Strong), and multiple computational algorithms predict a deleterious effect for this variant (REVEL score: 0.755) (PP3). This variant has a 0.0068% maximum allele frequency in non-founder control populations (PM2). Based on the current evidence, this variant is classified as likely pathogenic for autosomal recessive Alport syndrome 3B.

Molecular Genetics and NGS Laboratory, Hospital Fundacion Valle Del Lili
Classification: Pathogenic for Autosomal dominant Alport syndrome. Last evaluated: 2024-09-05. Review status: criteria provided, single submitter. Criteria: ACMG Guidelines, 2015. Collection method: clinical testing. Allele origin: germline. Affected: yes. Observed: 1 variant allele.
Comment: Combined evidence strength is Very Strong (score = 8).Very Strong: ClinVar classifies this variant as Pathogenic, 2 stars (reviewed Feb '24, 6 submissions of which 2 are from high confidence submitters) (PP5). Equivalent variant chr2:227273108 G⇒C (Gly640Arg) is classified Pathogenic by UniProt Variants (confirmed using the germline classifier) (PS1). MetaRNN = 0.952 is greater than 0.939 ⇒ strong pathogenic (PP3). Hot-spot of length 17 amino-acids has 9 missense/in-frame variants (5 pathogenic variants, 4 uncertain variants and no benign), which qualifies as moderate pathogenic.UniProt protein CO4A3_HUMAN region of interest 'Disordered' has 471 missense/in-frame variants (184 pathogenic variants, 263 uncertain variants and 24 benign variants), which qualifies as moderate pathogenic.UniProt protein CO4A3_HUMAN region of interest 'Triple-helical region' has 720 missense/in-frame variants (270 pathogenic variants, 408 uncertain variants and 42 benign variants), which qualifies as moderate pathogenic (PM1). GnomAD genomes homozygous allele count = 0 is less than 2 for AD/AR gene COL4A3, good gnomAD genomes coverage = 31.0.GnomAD exomes homozygous allele count = 0 is less than 2 for AD/AR gene COL4A3, good gnomAD exomes coverage = 37.5 (PM2).

Institute of Human Genetics, University of Leipzig Medical Center
Classification: Likely pathogenic for Autosomal dominant Alport syndrome. Last evaluated: 2024-05-07. Review status: criteria provided, single submitter. Criteria: ACMG Guidelines, 2015. Collection method: clinical testing. Allele origin: unknown. Inheritance: Autosomal dominant inheritance. Affected: yes.
Comment: Criteria applied: PM1_STR,PS4_MOD,PM2_SUP,PP3

Fulgent Genetics
Classification: Likely pathogenic for Autosomal dominant Alport syndrome; Hematuria, benign familial, 2; Alport syndrome 3b, autosomal recessive. Last evaluated: 2024-02-27. Review status: criteria provided, single submitter. Criteria: ACMG Guidelines, 2015. Collection method: clinical testing. Allele origin: germline.

Blueprint Genetics
Classification: Likely pathogenic for COL4A3-related disorders. Last evaluated: 2022-06-14. Review status: criteria provided, single submitter. Criteria: ACMG Guidelines, 2015. Collection method: clinical testing. Allele origin: germline. Affected: yes. Observed: 4 variant alleles.

GeneDx
Classification: Likely pathogenic. Last evaluated: 2021-11-01. Review status: criteria provided, single submitter. Criteria: GeneDx Variant Classification Process June 2021. Collection method: clinical testing. Allele origin: germline. Affected: yes.
Comment: Affects a glycine residue in a Gly-X-Y motif in the triple helical region of the COL4A3 gene; In silico analysis supports that this missense variant has a deleterious effect on protein structure/function; This variant is associated with the following publications: (PMID: 11134255, 24633401, 24052634, 29854973)

UNC Molecular Genetics  Laboratory, University of North Carolina at Chapel Hill
Classification: Likely pathogenic for Microscopic hematuria. Last evaluated: 2020-11-02. Review status: criteria provided, single submitter. Criteria: ACMG Guidelines, 2015. Collection method: clinical testing. Allele origin: germline. Affected: yes. Observed: 1 heterozygote.

Juno Genomics, Hangzhou Juno Genomics, Inc
Classification: Likely pathogenic for Autosomal dominant Alport syndrome; Alport syndrome 3b, autosomal recessive; Hematuria, benign familial, 2. Review status: criteria provided, single submitter. Criteria: ACMG Guidelines, 2015. Collection method: clinical testing. Allele origin: germline.
Comment: Absent from controls (or at extremely low frequency if recessive) in Genome Aggregation Database.;Multiple lines of computational evidence support a deleterious effect on the gene or gene product.;For recessive disorders, detected in trans with a pathogenic variant.;Located in a mutational hot spot and/or critical and well-established functional domain without benign variation.

Counsyl
Classification: Likely pathogenic for Autosomal recessive Alport syndrome. Last evaluated: 2016-11-10. Review status: no assertion criteria provided. Collection method: clinical testing. Allele origin: unknown. Not counted in ClinVar's aggregate classification.

Genome Diagnostics Laboratory, University Medical Center Utrecht
Classification: Pathogenic. Review status: no assertion criteria provided. Collection method: clinical testing. Allele origin: germline. Affected: yes. Study: VKGL Data-share Consensus. Not counted in ClinVar's aggregate classification.

Joint Genome Diagnostic Labs from Nijmegen and Maastricht, Radboudumc and MUMC+
Classification: Pathogenic. Review status: no assertion criteria provided. Collection method: clinical testing. Allele origin: germline. Affected: yes. Study: VKGL Data-share Consensus. Not counted in ClinVar's aggregate classification.

Literature cited by the submitters: PubMed 11134255 (cited by 3 submitters); PubMed 24052634 (cited by 4 submitters); PubMed 29854973 (cited by 3 submitters); PubMed 24633401 (cited by Natera, Inc. and Variantyx, Inc.); PubMed 28098982 (cited by Variantyx, Inc.).